The following is an entry in ClinVar:

NM_000395.3(CSF2RB):c.428C>T (p.Thr143Ile)

Gene: CSF2RB (colony stimulating factor 2 receptor subunit beta; plus strand). Cytogenetic location: 22q12.3.
Variant type: single nucleotide variant.
Coding change: c.428C>T on transcript NM_000395.3 (MANE Select); coding-DNA position 428, C replaced by T.
Protein change: p.Thr143Ile; replaces threonine 143 with isoleucine.
Molecular consequence: missense variant.
Genome position (GRCh38, 1-based): chr22:36,929,438, C>T. VCF-style: chr22-36929438-C-T. GRCh37 (hg19) VCF-style: chr22-37325480-C-T.
Other names: c.428C>T, p.Thr143Ile (NM_001410827.1); short protein forms T143I.
Identifiers: ClinVar variation 2051219 (VCV002051219.4), dbSNP rs1327733316, ClinGen allele CA411405511.

ClinVar aggregate classification (germline): Uncertain significance (1 of 4 stars; one submission).

Submission:

Labcorp Genetics (formerly Invitae), Labcorp
Classification: Uncertain significance. Last evaluated: 2021-12-21. Review status: criteria provided, single submitter. Criteria: Invitae Variant Classification Sherloc (09022015). Collection method: clinical testing. Allele origin: germline.
Comment: In summary, the available evidence is currently insufficient to determine the role of this variant in disease. Therefore, it has been classified as a Variant of Uncertain Significance. Algorithms developed to predict the effect of missense changes on protein structure and function (SIFT, PolyPhen-2, Align-GVGD) all suggest that this variant is likely to be tolerated. This variant has not been reported in the literature in individuals affected with CSF2RB-related conditions. This variant is not present in population databases (gnomAD no frequency). This sequence change replaces threonine, which is neutral and polar, with isoleucine, which is neutral and non-polar, at codon 143 of the CSF2RB protein (p.Thr143Ile).